The following is an entry in ClinVar:

NM_002048.3(GAS1):c.180G>A (p.Glu60=)

Gene: GAS1 (growth arrest specific 1; minus strand). Cytogenetic location: 9q21.33.
Variant type: single nucleotide variant.
Coding change: c.180G>A on transcript NM_002048.3 (MANE Select); coding-DNA position 180, G replaced by A.
Protein change: p.Glu60=; no amino-acid change (glutamic acid 60 retained).
Molecular consequence: synonymous variant.
Genome position (GRCh38, 1-based): chr9:86,946,600, C>T on the plus strand (G>A on the coding strand, the complement: GAS1 is on the minus strand). VCF-style: chr9-86946600-C-T. GRCh37 (hg19) VCF-style: chr9-89561515-C-T.
Identifiers: ClinVar variation 3059433 (VCV003059433.2), dbSNP rs1156483505, ClinGen allele CA465984219.

ClinVar aggregate classification (germline): Likely benign (0 of 4 stars; one submission).

Conditions:
GAS1-related disorder. Also called: GAS1-related condition.

Allele frequency attached by ClinVar (database versions not stated): gnomAD 0.00002; TOPMed 0.00002.
gnomAD v4.1: 20 of 1,449,606 alleles (0.0014%); highest among the groups gnomAD compares: Non-Finnish European, 0.0017%; no homozygotes.

Submission:

PreventionGenetics, part of Exact Sciences
Classification: Likely benign for GAS1-related condition. Last evaluated: 2022-02-07. Review status: no assertion criteria provided. Collection method: clinical testing. Allele origin: germline.
Comment: This variant is classified as likely benign based on ACMG/AMP sequence variant interpretation guidelines (Richards et al. 2015 PMID: 25741868, with internal and published modifications).